The following is an entry in ClinVar:

ClinVar aggregate classification (germline): Uncertain significance (1 of 4 stars; one submission).

Submission:

Labcorp Genetics (formerly Invitae), Labcorp
Classification: Uncertain significance. Last evaluated: 2023-11-24. Review status: criteria provided, single submitter. Criteria: Invitae Variant Classification Sherloc (09022015). Collection method: clinical testing. Allele origin: germline.
Comment: This sequence change replaces threonine, which is neutral and polar, with serine, which is neutral and polar, at codon 732 of the NEFH protein (p.Thr732Ser). The frequency data for this variant in the population databases is considered unreliable, as metrics indicate poor data quality at this position in the gnomAD database. This variant has not been reported in the literature in individuals affected with NEFH-related conditions. ClinVar contains an entry for this variant (Variation ID: 1381201). Advanced modeling of protein sequence and biophysical properties (such as structural, functional, and spatial information, amino acid conservation, physicochemical variation, residue mobility, and thermodynamic stability) performed at Invitae indicates that this missense variant is not expected to disrupt NEFH protein function with a negative predictive value of 95%. In summary, the available evidence is currently insufficient to determine the role of this variant in disease. Therefore, it has been classified as a Variant of Uncertain Significance.

NM_021076.4(NEFH):c.2194A>T (p.Thr732Ser)

Gene: NEFH (neurofilament heavy chain; plus strand). Cytogenetic location: 22q12.2.
Variant type: single nucleotide variant.
Coding change: c.2194A>T on transcript NM_021076.4 (MANE Select); coding-DNA position 2194, A replaced by T.
Protein change: p.Thr732Ser; replaces threonine 732 with serine.
Molecular consequence: missense variant.
Genome position (GRCh38, 1-based): chr22:29,489,834, A>T. VCF-style: chr22-29489834-A-T. GRCh37 (hg19) VCF-style: chr22-29885823-A-T.
Other names: short protein forms T732S.
Identifiers: ClinVar variation 1381201 (VCV001381201.6), dbSNP rs145125701, ClinGen allele CA323088583.